The following is an entry in ClinVar:

ClinVar aggregate classification (germline): Likely benign (1 of 4 stars; one submission).

gnomAD v4.1: 28 of 1,614,016 alleles (0.0017%); highest among the groups gnomAD compares: Non-Finnish European, 0.0023%; no homozygotes.

Submission:

CeGaT Center for Human Genetics Tuebingen
Classification: Likely benign. Last evaluated: 2024-09-01. Review status: criteria provided, single submitter. Criteria: CeGaT Center For Human Genetics Tuebingen Variant Classification Criteria Version 2. Collection method: clinical testing. Allele origin: germline. Affected: yes. Observed: 1 variant allele.
Comment: CUX2: BS1

NM_015267.4(CUX2):c.4216C>T (p.Leu1406Phe)

Gene: CUX2 (cut like homeobox 2; plus strand). Cytogenetic location: 12q24.12.
Variant type: single nucleotide variant.
Coding change: c.4216C>T on transcript NM_015267.4 (MANE Select); coding-DNA position 4216, C replaced by T.
Protein change: p.Leu1406Phe; replaces leucine 1406 with phenylalanine.
Molecular consequence: missense variant.
Genome position (GRCh38, 1-based): chr12:111,348,080, C>T. VCF-style: chr12-111348080-C-T. GRCh37 (hg19) VCF-style: chr12-111785884-C-T.
Other names: c.4030C>T, p.Leu1344Phe (NM_001370598.1); short protein forms L1344F, L1406F.
Identifiers: ClinVar variation 3389498 (VCV003389498.14).